The following is an entry in ClinVar:

ClinVar aggregate classification (germline): Uncertain significance. Review status: criteria provided, multiple submitters, no conflicts (2 of 4 stars). 2 submissions from 2 submitters: Uncertain significance (2). Last evaluated 2024-08-28.

Conditions:
Hereditary cancer-predisposing syndrome. Also called: Tumor predisposition; Hereditary neoplastic syndrome; Hereditary Cancer Syndrome; Neoplastic Syndromes, Hereditary. Identifiers: Orphanet 140162, MedGen C0027672, MeSH D009386, MONDO:0015356.
Hereditary breast ovarian cancer syndrome. Also called: Hereditary breast and ovarian cancer; Breast and ovarian cancer; BRCA1- and BRCA2-Associated Hereditary Breast and Ovarian Cancer; Hereditary breast and/or ovarian cancer syndrome; Hereditary breast and ovarian cancer syndrome; Hereditary breast and ovarian cancer syndrome (HBOC). Identifiers: Orphanet 145, MedGen C0677776, MeSH D061325, MONDO:0003582. Disease mechanism: loss of function.

Allele frequency attached by ClinVar (database versions not stated): gnomAD 0.00001.
gnomAD v4.1: 2 of 1,612,608 alleles (0.00012%); highest among the groups gnomAD compares: Admixed American, 0.0017%; no homozygotes.

Submissions (2):

Ambry Genetics
Classification: Uncertain significance for Hereditary cancer-predisposing syndrome. Last evaluated: 2024-08-28. Review status: criteria provided, single submitter. Criteria: Ambry Variant Classification Scheme 2023. Collection method: clinical testing. Allele origin: germline.
Comment: The p.R2602K variant (also known as c.7805G>A), located in coding exon 15 of the BRCA2 gene, results from a G to A substitution at nucleotide position 7805. The arginine at codon 2602 is replaced by lysine, an amino acid with highly similar properties. However, this change occurs in the last base pair of coding exon 15, which makes it likely to have some effect on normal mRNA splicing. This nucleotide position is highly conserved in available vertebrate species. In silico splice site analysis predicts that this alteration will weaken the native splice donor site; however, direct evidence is insufficient at this time (Ambry internal data). RNA studies have demonstrated that this alteration results in an incomplete splice defect; the clinical impact of this abnormal splicing is unknown at this time (Ambry internal data). This amino acid position is well conserved in available vertebrate species. In addition, as a missense substitution this is predicted to be inconclusive by in silico analysis. Based on the available evidence, the clinical significance of this variant remains unclear.

Labcorp Genetics (formerly Invitae), Labcorp
Classification: Uncertain significance for Hereditary breast ovarian cancer syndrome. Last evaluated: 2021-02-19. Review status: criteria provided, single submitter. Criteria: Invitae Variant Classification Sherloc (09022015). Collection method: clinical testing. Allele origin: germline.
Comment: In summary, the available evidence is currently insufficient to determine the role of this variant in disease. Therefore, it has been classified as a Variant of Uncertain Significance. This variant disrupts the c.7805G nucleotide in the BRCA2 gene. Other variant(s) that disrupt this nucleotide have been determined to be pathogenic (PMID: 29446198, 18424508, 31432501, 29881398, 22505045). This suggests that this nucleotide is clinically significant, and that variants that disrupt this position are likely to be disease-causing. This variant has not been reported in the literature in individuals with BRCA2-related conditions. This variant is not present in population databases (ExAC no frequency). This sequence change replaces arginine with lysine at codon 2602 of the BRCA2 protein (p.Arg2602Lys). The arginine residue is highly conserved and there is a small physicochemical difference between arginine and lysine. This variant also falls at the last nucleotide of exon 16, which is part of the consensus splice site for this exon. Algorithms developed to predict the effect of missense changes on protein structure and function are either unavailable or do not agree on the potential impact of this missense change (SIFT: "Tolerated"; PolyPhen-2: "Possibly Damaging"; Align-GVGD: "Class C0"). Nucleotide substitutions within the consensus splice site are a relatively common cause of aberrant splicing (PMID: 17576681, 9536098). Algorithms developed to predict the effect of sequence changes on RNA splicing suggest that this variant may disrupt the consensus splice site, but this prediction has not been confirmed by published transcriptional studies.

Literature cited by the submitters: PubMed 29446198 (cited by Labcorp Genetics (formerly Invitae), Labcorp); PubMed 18424508 (cited by Labcorp Genetics (formerly Invitae), Labcorp); PubMed 31432501 (cited by Labcorp Genetics (formerly Invitae), Labcorp); PubMed 29881398 (cited by Labcorp Genetics (formerly Invitae), Labcorp); PubMed 22505045 (cited by Labcorp Genetics (formerly Invitae), Labcorp); PubMed 17576681 (cited by Labcorp Genetics (formerly Invitae), Labcorp); PubMed 9536098 (cited by Labcorp Genetics (formerly Invitae), Labcorp).

NM_000059.4(BRCA2):c.7805G>A (p.Arg2602Lys)

Gene: BRCA2 (BRCA2 DNA repair associated; plus strand). Cytogenetic location: 13q13.1.
Variant type: single nucleotide variant.
Coding change: c.7805G>A on transcript NM_000059.4 (MANE Select); coding-DNA position 7805, G replaced by A.
Protein change: p.Arg2602Lys; replaces arginine 2602 with lysine.
Molecular consequence: missense variant.
Genome position (GRCh38, 1-based): chr13:32,357,929, G>A. VCF-style: chr13-32357929-G-A. GRCh37 (hg19) VCF-style: chr13-32932066-G-A.
Other names: c.7805G>A (NM_000059.3); short protein forms R2602K.
Identifiers: ClinVar variation 1461820 (VCV001461820.11), dbSNP rs397507938, ClinGen allele CA387746169.